The following is an entry in ClinVar:

NM_001267550.2(TTN):c.99273A>G (p.Ile33091Met)

Genes: TTN (titin; minus strand), TTN-AS1 (TTN antisense RNA 1; plus strand). Cytogenetic location: 2q31.2.
Variant type: single nucleotide variant.
Coding change: c.99273A>G on transcript NM_001267550.2 (MANE Select); coding-DNA position 99273, A replaced by G.
Protein change: p.Ile33091Met; replaces isoleucine 33091 with methionine.
Molecular consequence: missense variant.
Genome position (GRCh38, 1-based): chr2:178,538,556, T>C on the plus strand (A>G on the coding strand, the complement: TTN is on the minus strand). VCF-style: chr2-178538556-T-C. GRCh37 (hg19) VCF-style: chr2-179403283-T-C.
Other names: c.91569A>G, p.Ile30523Met (NM_133378.4); c.94350A>G, p.Ile31450Met (NM_001256850.1); c.72078A>G, p.Ile24026Met (NM_003319.4); c.72453A>G, p.Ile24151Met (NM_133432.3); c.72654A>G, p.Ile24218Met (NM_133437.4); short protein forms I30523M, I33091M, I24026M, I24151M, I24218M, I31450M.
Identifiers: ClinVar variation 504969 (VCV000504969.5), dbSNP rs746305727, ClinGen allele CA60963829.

ClinVar aggregate classification (germline): Uncertain significance (1 of 4 stars; one submission).

gnomAD v4.1: 18 of 1,612,196 alleles (0.0011%); highest among the groups gnomAD compares: Non-Finnish European, 0.0015%; no homozygotes.

Submission:

Laboratory for Molecular Medicine, Mass General Brigham Personalized Medicine
Classification: Uncertain significance. Last evaluated: 2016-04-27. Review status: criteria provided, single submitter. Criteria: LMM Criteria. Collection method: clinical testing. Allele origin: germline. Observed: 1 variant allele.
Comment: The p.Ile30523Met variant in TTN has not been previously reported in individuals with cardiomyopathy or in large population studies. Computational prediction to ols and conservation analysis suggest that the p.Ile30523Met variant may not imp act the protein, though this information is not predictive enough to rule out pa thogenicity. In summary, the clinical significance of the p.Ile30523Met variant is uncertain.